The following is an entry in ClinVar:

NM_000384.3(APOB):c.10925G>T (p.Gly3642Val)

Gene: APOB (apolipoprotein B; minus strand). Cytogenetic location: 2p24.1.
Variant type: single nucleotide variant.
Coding change: c.10925G>T on transcript NM_000384.3 (MANE Select); coding-DNA position 10925, G replaced by T.
Protein change: p.Gly3642Val; replaces glycine 3642 with valine.
Molecular consequence: missense variant.
Genome position (GRCh38, 1-based): chr2:21,005,943, C>A on the plus strand (G>T on the coding strand, the complement: APOB is on the minus strand). VCF-style: chr2-21005943-C-A. GRCh37 (hg19) VCF-style: chr2-21228815-C-A.
Other names: short protein forms G3642V.
Identifiers: ClinVar variation 2451347 (VCV002451347.2), dbSNP rs1663124370, ClinGen allele CA345984544.

ClinVar aggregate classification (germline): Uncertain significance (1 of 4 stars; one submission).

Conditions:
Cardiovascular phenotype. Identifiers: MedGen CN230736.

Allele frequency attached by ClinVar (database versions not stated): gnomAD 0.00001; TOPMed 0.00001.
gnomAD v4.1: 10 of 1,613,656 alleles (0.00062%); highest among the groups gnomAD compares: Non-Finnish European, 0.00076%; no homozygotes.

Submission:

Ambry Genetics
Classification: Uncertain significance for Cardiovascular phenotype. Last evaluated: 2023-03-13. Review status: criteria provided, single submitter. Criteria: Ambry Variant Classification Scheme 2023. Collection method: clinical testing. Allele origin: germline.
Comment: The p.G3642V variant (also known as c.10925G>T), located in coding exon 26 of the APOB gene, results from a G to T substitution at nucleotide position 10925. The glycine at codon 3642 is replaced by valine, an amino acid with dissimilar properties. This amino acid position is conserved. In addition, this alteration is predicted to be tolerated by in silico analysis. Since supporting evidence is limited at this time, the clinical significance of this alteration remains unclear.